The following is an entry in ClinVar:

ClinVar aggregate classification (germline): Likely benign. Review status: criteria provided, single submitter (1 of 4 stars). 2 submissions from 2 submitters: Likely benign (1). 1 of the submissions does not count toward it. Last evaluated 2026-01-06.

Conditions:
KRT14-related disorder. Also called: KRT14-related condition.

Allele frequency attached by ClinVar (database versions not stated): TOPMed 0.00005; ExAC 0.00006; gnomAD 0.00006; gnomAD exomes 0.00006; ESP Exome Variant Server 0.00008.

Submissions (2):

Labcorp Genetics (formerly Invitae), Labcorp
Classification: Likely benign. Last evaluated: 2026-01-06. Review status: criteria provided, single submitter. Criteria: Invitae Variant Classification Sherloc (09022015). Collection method: clinical testing. Allele origin: germline.

PreventionGenetics, part of Exact Sciences
Classification: Likely benign for KRT14-related condition. Last evaluated: 2019-07-26. Review status: no assertion criteria provided. Collection method: clinical testing. Allele origin: germline. Not counted in ClinVar's aggregate classification.
Comment: This variant is classified as likely benign based on ACMG/AMP sequence variant interpretation guidelines (Richards et al. 2015 PMID: 25741868, with internal and published modifications).

NM_000526.5(KRT14):c.537C>A (p.Ala179=)

Gene: KRT14 (keratin 14; minus strand). Cytogenetic location: 17q21.2.
Variant type: single nucleotide variant.
Coding change: c.537C>A on transcript NM_000526.5 (MANE Select); coding-DNA position 537, C replaced by A.
Protein change: p.Ala179=; no amino-acid change (alanine 179 retained).
Molecular consequence: synonymous variant.
Genome position (GRCh38, 1-based): chr17:41,585,046, G>T on the plus strand (C>A on the coding strand, the complement: KRT14 is on the minus strand). VCF-style: chr17-41585046-G-T. GRCh37 (hg19) VCF-style: chr17-39741298-G-T.
Identifiers: ClinVar variation 3049748 (VCV003049748.3), dbSNP rs143239746, ClinGen allele CA8562690.